The following is an entry in ClinVar:

ClinVar aggregate classification (germline): Pathogenic (1 of 4 stars; one submission).

Conditions:
Familial cancer of breast. Also called: hereditary breast carcinoma; BREAST CANCER, FAMILIAL; Hereditary breast cancer. Identifiers: Orphanet 227535, MedGen C0346153, MONDO:0016419, OMIM 114480. Disease mechanism: loss of function.

Submission:

Myriad Genetics, Inc.
Classification: Pathogenic for Familial cancer of breast. Last evaluated: 2024-01-29. Review status: criteria provided, single submitter. Criteria: Myriad Autosomal Dominant, Autosomal Recessive and X-Linked Classification Criteria (2023). Collection method: clinical testing. Allele origin: unknown.
Comment: This variant is considered pathogenic. This variant creates a termination codon and is predicted to result in premature protein truncation.

NM_000051.4(ATM):c.6352G>T (p.Glu2118Ter)

Genes: ATM (ATM serine/threonine kinase; plus strand), C11orf65 (chromosome 11 open reading frame 65; minus strand). Cytogenetic location: 11q22.3.
Variant type: single nucleotide variant.
Coding change: c.6352G>T on transcript NM_000051.4 (MANE Select); coding-DNA position 6352, G replaced by T.
Protein change: p.Glu2118Ter; replaces glutamic acid 2118 with a stop codon.
Molecular consequence: nonsense. On other transcripts: intron variant (2).
Genome position (GRCh38, 1-based): chr11:108,319,958, G>T. VCF-style: chr11-108319958-G-T. GRCh37 (hg19) VCF-style: chr11-108190685-G-T.
Other names: c.6352G>T, p.Glu2118Ter (NM_001351834.2); c.641-10887C>A (NM_001330368.2); c.*39-10887C>A (NM_001351110.2); short protein forms E2118*.
Identifiers: ClinVar variation 3148834 (VCV003148834.1), dbSNP rs2136218596, ClinGen allele CA382553148.
Genomic context (GRCh38, chr11:108,319,958, plus strand): 5'-TGTATATCTTAGGGTTCTGTTTTTAAGTATATTTTTTTCTTTGACTTATCTCACAGCAAA[G>T]AAGTAGAAGGAACCAGTTACCATGAATCATTGTACAATGCTCTACAATCTCTAAGAGACA-3'